The following is an entry in ClinVar:

NC_000011.9:g.(?_31815560)_(31824402_?)del

Gene: PAX6 (paired box 6; minus strand). Cytogenetic location: 11p13.
Variant type: Deletion.
Identifiers: ClinVar variation 2422792 (VCV002422792.3).

ClinVar aggregate classification (germline): Pathogenic (1 of 4 stars; one submission).

Conditions:
Irido-corneo-trabecular dysgenesis (ASGD5). Also called: ANTERIOR SEGMENT DYSGENESIS 5. Identifiers: Orphanet 708, MedGen C0344559, MONDO:0011414, OMIM 604229, HP:0000659.
Aniridia 1 (AN1). Identifiers: Orphanet 250923, MedGen C0344542, MONDO:0024507, OMIM 106210.

Submission:

Labcorp Genetics (formerly Invitae), Labcorp
Classification: Pathogenic for Aniridia 1; Irido-corneo-trabecular dysgenesis. Last evaluated: 2021-10-21. Review status: criteria provided, single submitter. Criteria: Invitae Variant Classification Sherloc (09022015). Collection method: clinical testing. Allele origin: germline.
Comment: This variant is a gross deletion of the genomic region encompassing exon(s) 5-9 of the PAX6 gene. This deletion is out-of-frame, and is expected to create a premature termination codon and result in an absent or disrupted protein product. Loss-of-function variants in PAX6 are known to be pathogenic (PMID: 12634864). This variant has not been reported in the literature in individuals affected with PAX6-related conditions. For these reasons, this variant has been classified as Pathogenic.

Literature cited by the submitters: PubMed 12634864.